The following is an entry in ClinVar:

NM_001379110.1(SLC9A6):c.744-208del

Gene: SLC9A6 (solute carrier family 9 member A6; plus strand). Cytogenetic location: Xq26.3.
Variant type: Deletion.
Coding change: c.744-208del on transcript NM_001379110.1 (MANE Select); 208 bases into the intron before coding-DNA position 744, one base deleted (C; older notation c.744-208delC).
Molecular consequence: intron variant.
Genome position (GRCh38, 1-based): chrX:136,010,234, C deleted; the last of 10 consecutive C bases (chrX:136,010,225-136,010,234); deleting any one gives the same sequence. VCF-style (leftmost placement, unchanged base first): chrX-136010224-AC-A. GRCh37 (hg19) VCF-style: chrX-135092383-AC-A.
Other names: c.900-208del (NM_001042537.2); c.804-208del (NM_006359.3); c.744-208del (NM_001177651.2); c.648-208del (NM_001330652.2).
Identifiers: ClinVar variation 677663 (VCV000677663.1), dbSNP rs376254654, ClinGen allele CA644623604.

ClinVar aggregate classification (germline): Likely benign (1 of 4 stars; one submission).

Submission:

GeneDx
Classification: Likely benign. Last evaluated: 2018-06-19. Review status: criteria provided, single submitter. Criteria: GeneDx Variant Classification (06012015). Collection method: clinical testing. Allele origin: germline. Affected: yes.
Comment: This variant is considered likely benign or benign based on one or more of the following criteria: it is a conservative change, it occurs at a poorly conserved position in the protein, it is predicted to be benign by multiple in silico algorithms, and/or has population frequency not consistent with disease.